The following is an entry in ClinVar:

NM_001004127.3(ALG11):c.943C>G (p.His315Asp)

Gene: ALG11 (ALG11 alpha-1,2-mannosyltransferase; plus strand). Cytogenetic location: 13q14.3.
Variant type: single nucleotide variant.
Coding change: c.943C>G on transcript NM_001004127.3 (MANE Select); coding-DNA position 943, C replaced by G.
Protein change: p.His315Asp; replaces histidine 315 with aspartic acid.
Molecular consequence: missense variant.
Genome position (GRCh38, 1-based): chr13:52,024,673, C>G. VCF-style: chr13-52024673-C-G. GRCh37 (hg19) VCF-style: chr13-52598809-C-G.
Other names: short protein forms H315D.
Identifiers: ClinVar variation 4739931 (VCV004739931.1).

ClinVar aggregate classification (germline): Uncertain significance (1 of 4 stars; one submission).

Conditions:
ALG11-congenital disorder of glycosylation. Also called: CONGENITAL DISORDER OF GLYCOSYLATION, TYPE Ip; ALG11-CDG. Identifiers: Orphanet 280071, MedGen C3150913, MONDO:0013349, OMIM 613661.

Submission:

Labcorp Genetics (formerly Invitae), Labcorp
Classification: Uncertain significance for ALG11-congenital disorder of glycosylation. Last evaluated: 2025-06-15. Review status: criteria provided, single submitter. Criteria: Invitae Variant Classification Sherloc (09022015). Collection method: clinical testing. Allele origin: germline.
Comment: This sequence change replaces histidine, which is basic and polar, with aspartic acid, which is acidic and polar, at codon 315 of the ALG11 protein (p.His315Asp). This variant is not present in population databases (gnomAD no frequency). This variant has not been reported in the literature in individuals affected with ALG11-related conditions. Invitae Evidence Modeling of protein sequence and biophysical properties (such as structural, functional, and spatial information, amino acid conservation, physicochemical variation, residue mobility, and thermodynamic stability) indicates that this missense variant is expected to disrupt ALG11 protein function with a positive predictive value of 80%. In summary, the available evidence is currently insufficient to determine the role of this variant in disease. Therefore, it has been classified as a Variant of Uncertain Significance.